The following is an entry in ClinVar:

NM_000784.4(CYP27A1):c.577C>T (p.Arg193Trp)

Gene: CYP27A1 (cytochrome P450 family 27 subfamily A member 1; plus strand). Cytogenetic location: 2q35.
Variant type: single nucleotide variant.
Coding change: c.577C>T on transcript NM_000784.4 (MANE Select); coding-DNA position 577, C replaced by T.
Protein change: p.Arg193Trp; replaces arginine 193 with tryptophan.
Molecular consequence: missense variant.
Genome position (GRCh38, 1-based): chr2:218,812,352, C>T. VCF-style: chr2-218812352-C-T. GRCh37 (hg19) VCF-style: chr2-219677075-C-T.
Other names: c.577C>T (NM_000784.3); short protein forms R193W.
Identifiers: ClinVar variation 1470028 (VCV001470028.12), dbSNP rs1045858420, ClinGen allele CA65832718.

ClinVar aggregate classification (germline): Uncertain significance. Review status: criteria provided, multiple submitters, no conflicts (2 of 4 stars). 4 submissions from 4 submitters: Uncertain significance (4). Last evaluated 2026-08-04.

Conditions:
Cardiovascular phenotype. Identifiers: MedGen CN230736.
Cholestanol storage disease (CTX). Also called: Cerebrotendinous Xanthomatosis; CTX: Cerebrotendinous xanthomatosis; CEREBRAL CHOLESTERINOSIS. Identifiers: Orphanet 909, MedGen C0238052, MONDO:0008948, OMIM 213700.
CYP27A1-related disorder. Also called: CYP27A1-related condition.

Allele frequency attached by ClinVar (database versions not stated): gnomAD exomes below 0.00001; gnomAD 0.00001 and 0.00002; TOPMed 0.00002.

Submissions (4):

PreventionGenetics, part of Exact Sciences
Classification: Uncertain significance for CYP27A1-related condition. Last evaluated: 2026-08-04. Review status: criteria provided, single submitter. Criteria: ACMG Guidelines, 2015. Collection method: clinical testing. Allele origin: germline.
Comment: The CYP27A1 c.577C>T variant is predicted to result in the amino acid substitution p.Arg193Trp. To our knowledge, this variant has not been reported in the literature or in a large population database (gnomAD), indicating this variant is rare. At this time, the clinical significance of this variant is uncertain due to the absence of conclusive functional and genetic evidence.

GeneDx
Classification: Uncertain significance. Last evaluated: 2026-06-25. Review status: criteria provided, single submitter. Criteria: GeneDx Variant Classification Process June 2021. Collection method: clinical testing. Allele origin: germline.
Comment: Not observed at significant frequency in large population cohorts (gnomAD); In silico analysis supports that this missense variant has a deleterious effect on protein structure/function; Has not been previously published as pathogenic or benign to our knowledge

Labcorp Genetics (formerly Invitae), Labcorp
Classification: Uncertain significance for Cholestanol storage disease. Last evaluated: 2024-07-23. Review status: criteria provided, single submitter. Criteria: Invitae Variant Classification Sherloc (09022015). Collection method: clinical testing. Allele origin: germline.
Comment: This sequence change replaces arginine, which is basic and polar, with tryptophan, which is neutral and slightly polar, at codon 193 of the CYP27A1 protein (p.Arg193Trp). This variant is not present in population databases (gnomAD no frequency). This variant has not been reported in the literature in individuals affected with CYP27A1-related conditions. ClinVar contains an entry for this variant (Variation ID: 1470028). Advanced modeling of protein sequence and biophysical properties (such as structural, functional, and spatial information, amino acid conservation, physicochemical variation, residue mobility, and thermodynamic stability) has been performed at Invitae for this missense variant, however the output from this modeling did not meet the statistical confidence thresholds required to predict the impact of this variant on CYP27A1 protein function. In summary, the available evidence is currently insufficient to determine the role of this variant in disease. Therefore, it has been classified as a Variant of Uncertain Significance.

Ambry Genetics
Classification: Uncertain significance for Cardiovascular phenotype. Last evaluated: 2023-04-25. Review status: criteria provided, single submitter. Criteria: Ambry Variant Classification Scheme 2023. Collection method: clinical testing. Allele origin: germline.